The following is an entry in ClinVar:

ClinVar aggregate classification (germline): Benign/Likely benign. Review status: criteria provided, multiple submitters, no conflicts (2 of 4 stars). 16 submissions from 14 submitters: Benign (6); Likely benign (5). 5 of the submissions do not count toward it. Last evaluated 2026-01-19.

Conditions:
Charcot-Marie-Tooth disease axonal type 2X. Also called: CHARCOT-MARIE-TOOTH DISEASE, AXONAL, AUTOSOMAL RECESSIVE, TYPE 2X; CHARCOT-MARIE-TOOTH NEUROPATHY, TYPE 2X. Identifiers: Orphanet 466775, MedGen C5569024, MONDO:0014726, OMIM 616668.
Amyotrophic lateral sclerosis type 5 (ALS5). Also called: AMYOTROPHIC LATERAL SCLEROSIS 5, JUVENILE. Identifiers: Orphanet 300605, MedGen C1865864, MONDO:0011196, OMIM 602099.
Hereditary spastic paraplegia. Also called: Familial spastic paraparesis. Identifiers: Orphanet 685, MedGen C0037773, MONDO:0019064. Disease mechanism: loss of function.
Hereditary spastic paraplegia 11. Also called: Spastic paraplegia, mental retardation and thin corpus callosum; SPASTIC PARAPLEGIA, AUTOSOMAL RECESSIVE, COMPLICATED, WITH THIN CORPUS CALLOSUM; SPASTIC PARAPLEGIA, AUTOSOMAL RECESSIVE, WITH MENTAL IMPAIRMENT AND THIN CORPUS CALLOSUM; Spastic Paraplegia 11; Nakamura Osame syndrome; Autosomal recessive hereditary spastic paraplegia, mental impairment, and thin corpus callosum. Identifiers: Orphanet 2822, MedGen C1858479, MONDO:0011445, OMIM 604360.

Allele frequency attached by ClinVar (database versions not stated): ESP Exome Variant Server 0.00816; gnomAD exomes 0.01015 and 0.01867; gnomAD 0.01282 and 0.01465; TOPMed 0.01294; ExAC 0.01873; 1000 Genomes Project 30x 0.03607; 1000 Genomes Project 0.03894.

Submissions (16):

Labcorp Genetics (formerly Invitae), Labcorp
Classification: Benign for Hereditary spastic paraplegia 11. Last evaluated: 2026-01-19. Review status: criteria provided, single submitter. Criteria: Invitae Variant Classification Sherloc (09022015). Collection method: clinical testing. Allele origin: germline.

Mayo Clinic Laboratories, Mayo Clinic
Classification: Benign. Last evaluated: 2023-01-23. Review status: criteria provided, single submitter. Criteria: ACMG Guidelines, 2015. Collection method: clinical testing. Allele origin: germline. Observed: 63 variant alleles.

Genome Diagnostics Laboratory, The Hospital for Sick Children
Classification: Benign for Hereditary spastic paraplegia. Last evaluated: 2021-12-14. Review status: criteria provided, single submitter. Criteria: ACMG Guidelines, 2015. Collection method: clinical testing. Allele origin: germline. Affected: yes.

Women's Health and Genetics/Laboratory Corporation of America, LabCorp
Classification: Likely benign. Last evaluated: 2021-12-10. Review status: criteria provided, single submitter. Criteria: LabCorp Variant Classification Summary - May 2015. Collection method: clinical testing. Allele origin: germline.

Illumina Laboratory Services, Illumina
Classification: Benign for Hereditary spastic paraplegia 11. Last evaluated: 2018-01-13. Review status: criteria provided, single submitter. Criteria: ICSL Variant Classification Criteria 13 December 2019. Collection method: clinical testing. Allele origin: germline.
Comment: This variant was observed in the ICSL laboratory as part of a predisposition screen in an ostensibly healthy population. It had not been previously curated by ICSL or reported in the Human Gene Mutation Database (HGMD: prior to June 1st, 2018), and was therefore a candidate for classification through an automated scoring system. Utilizing variant allele frequency, disease prevalence and penetrance estimates, and inheritance mode, an automated score was calculated to assess if this variant is too frequent to cause the disease. Based on the score and internal cut-off values, a variant classified as benign is not then subjected to further curation. The score for this variant resulted in a classification of benign for this disease.

Athena Diagnostics
Classification: Benign for Hereditary spastic paraplegia 11. Last evaluated: 2017-05-15. Review status: criteria provided, single submitter. Criteria: Athena Diagnostics Criteria. Collection method: clinical testing. Allele origin: germline.

GeneDx
Classification: Benign. Last evaluated: 2016-05-25. Review status: criteria provided, single submitter. Criteria: GeneDx Variant Classification (06012015). Collection method: clinical testing. Allele origin: germline. Affected: yes.
Comment: This variant is considered likely benign or benign based on one or more of the following criteria: it is a conservative change, it occurs at a poorly conserved position in the protein, it is predicted to be benign by multiple in silico algorithms, and/or has population frequency not consistent with disease.

Breakthrough Genomics
Classification: Likely benign. Review status: criteria provided, single submitter. Criteria: ACMG Guidelines, 2015. Collection method: not provided. Allele origin: germline. Inheritance: Autosomal recessive inheritance. Affected: yes.

Genome-Nilou Lab
Classification: Likely benign for Amyotrophic lateral sclerosis type 5. Review status: criteria provided, single submitter. Criteria: ACMG Guidelines, 2015. Collection method: clinical testing. Allele origin: germline.

Genome-Nilou Lab
Classification: Likely benign for Charcot-Marie-Tooth disease axonal type 2X. Review status: criteria provided, single submitter. Criteria: ACMG Guidelines, 2015. Collection method: clinical testing. Allele origin: germline.

Genome-Nilou Lab
Classification: Likely benign for Hereditary spastic paraplegia 11. Review status: criteria provided, single submitter. Criteria: ACMG Guidelines, 2015. Collection method: clinical testing. Allele origin: germline.

Clinical Genetics, Academic Medical Center
Classification: Benign. Review status: no assertion criteria provided. Collection method: clinical testing. Allele origin: germline. Affected: yes. Study: VKGL Data-share Consensus. Not counted in ClinVar's aggregate classification.

Genetic Services Laboratory, University of Chicago
Classification: Likely benign for AllHighlyPenetrant. Review status: no assertion criteria provided. Collection method: clinical testing. Allele origin: germline. Inheritance: Autosomal recessive inheritance. Not counted in ClinVar's aggregate classification.
Comment: Likely benign based on allele frequency in 1000 Genomes Project or ESP global frequency and its presence in a patient with a rare or unrelated disease phenotype. NOT Sanger confirmed.

Genome Diagnostics Laboratory, Amsterdam University Medical Center
Classification: Benign. Review status: no assertion criteria provided. Collection method: clinical testing. Allele origin: germline. Affected: yes. Study: VKGL Data-share Consensus. Not counted in ClinVar's aggregate classification.

Genome Diagnostics Laboratory, University Medical Center Utrecht
Classification: Benign. Review status: no assertion criteria provided. Collection method: clinical testing. Allele origin: germline. Affected: yes. Study: VKGL Data-share Consensus. Not counted in ClinVar's aggregate classification.

Joint Genome Diagnostic Labs from Nijmegen and Maastricht, Radboudumc and MUMC+
Classification: Likely benign. Review status: no assertion criteria provided. Collection method: clinical testing. Allele origin: germline. Affected: yes. Study: VKGL Data-share Consensus. Not counted in ClinVar's aggregate classification.

Literature cited by the submitters: PubMed 27900367 (cited by Athena Diagnostics).

NM_025137.4(SPG11):c.1348A>G (p.Ile450Val)

Gene: SPG11 (SPG11 vesicle trafficking associated, spatacsin; minus strand). Cytogenetic location: 15q21.1.
Variant type: single nucleotide variant.
Coding change: c.1348A>G on transcript NM_025137.4 (MANE Select); coding-DNA position 1348, A replaced by G.
Protein change: p.Ile450Val; replaces isoleucine 450 with valine.
Molecular consequence: missense variant.
Genome position (GRCh38, 1-based): chr15:44,651,599, T>C on the plus strand (A>G on the coding strand, the complement: SPG11 is on the minus strand). VCF-style: chr15-44651599-T-C. GRCh37 (hg19) VCF-style: chr15-44943797-T-C.
Other names: c.1348A>G, p.Ile450Val (NM_001160227.2); short protein forms I450V.
Identifiers: ClinVar variation 130364 (VCV000130364.30), dbSNP rs3759873, ClinGen allele CA155274.